The following is an entry in ClinVar:

ClinVar aggregate classification (germline): Uncertain significance. Review status: criteria provided, multiple submitters, no conflicts (2 of 4 stars). 2 submissions from 2 submitters: Uncertain significance (2). Last evaluated 2026-04-11.

Conditions:
Inborn genetic diseases. Identifiers: MedGen C0950123, MeSH D030342.
Dyskeratosis congenita, autosomal recessive 5 (DKCB5). Identifiers: MedGen C3554656, MONDO:0014076, OMIM 615190.
Pulmonary fibrosis and/or bone marrow failure, Telomere-related, 3. Also called: PULMONARY FIBROSIS AND/OR BONE MARROW FAILURE SYNDROME, TELOMERE-RELATED, 3. Identifiers: Orphanet 2032, MedGen C4225346, MONDO:0014613, OMIM 616373.

gnomAD v4.1: 1 of 1,612,128 alleles (0.000062%); highest among the groups gnomAD compares: Non-Finnish European, 0.000085%; no homozygotes.

Submissions (2):

Ambry Genetics
Classification: Uncertain significance for Inborn genetic diseases. Last evaluated: 2026-04-11. Review status: criteria provided, single submitter. Criteria: Ambry Variant Classification Scheme 2023. Collection method: clinical testing. Allele origin: germline.
Comment: The p.K961E variant (also known as c.2881A>G), located in coding exon 29 of the RTEL1 gene, results from an A to G substitution at nucleotide position 2881. The lysine at codon 961 is replaced by glutamic acid, an amino acid with similar properties. This amino acid position is conserved. In addition, the in silico prediction for this alteration is inconclusive. Based on the available evidence, the clinical significance of this variant remains unclear.

Labcorp Genetics (formerly Invitae), Labcorp
Classification: Uncertain significance for Dyskeratosis congenita, autosomal recessive 5; Pulmonary fibrosis and/or bone marrow failure, Telomere-related, 3. Last evaluated: 2025-03-20. Review status: criteria provided, single submitter. Criteria: Invitae Variant Classification Sherloc (09022015). Collection method: clinical testing. Allele origin: germline.
Comment: This sequence change replaces lysine, which is basic and polar, with glutamic acid, which is acidic and polar, at codon 961 of the RTEL1 protein (p.Lys961Glu). This variant is not present in population databases (gnomAD no frequency). This variant has not been reported in the literature in individuals affected with RTEL1-related conditions. An algorithm developed to predict the effect of missense changes on protein structure and function (PolyPhen-2) suggests that this variant is likely to be disruptive. In summary, the available evidence is currently insufficient to determine the role of this variant in disease. Therefore, it has been classified as a Variant of Uncertain Significance.

NM_001283009.2(RTEL1):c.2881A>G (p.Lys961Glu)

Genes: RTEL1 (regulator of telomere elongation helicase 1; plus strand), RTEL1-TNFRSF6B (RTEL1-TNFRSF6B readthrough (NMD candidate); plus strand). Cytogenetic location: 20q13.33.
Variant type: single nucleotide variant.
Coding change: c.2881A>G on transcript NM_001283009.2 (MANE Select); coding-DNA position 2881, A replaced by G.
Protein change: p.Lys961Glu; replaces lysine 961 with glutamic acid.
Molecular consequence: missense variant. On other transcripts: non-coding transcript variant (1).
Genome position (GRCh38, 1-based): chr20:63,693,172, A>G. VCF-style: chr20-63693172-A-G. GRCh37 (hg19) VCF-style: chr20-62324525-A-G.
Other names: c.2212A>G, p.Lys738Glu (NM_001283010.1); c.2881A>G, p.Lys961Glu (NM_016434.4); c.2953A>G, p.Lys985Glu (NM_032957.5); short protein forms K961E, K738E, K985E.
Identifiers: ClinVar variation 4792860 (VCV004792860.2).
Genomic context (GRCh38, chr20:63,693,172, plus strand): 5'-CAGATGGGGACAGACGCCCCTTCCTCTACAGGCTTCTACCAGTTTGTGCGGCCCCACCAT[A>G]AGCAGCAGTTTGAGGAGGTCTGTATCCAGCTGACAGGACGAGGCTGTGGCTATCGGCCTG-3'
Protein context (NP_001269938.1, residues 951-971): GFYQFVRPHH[Lys961Glu]QQFEEVCIQL